The following is an entry in ClinVar:

ClinVar aggregate classification (germline): Uncertain significance. Review status: criteria provided, multiple submitters, no conflicts (2 of 4 stars). 3 submissions from 3 submitters: Uncertain significance (3). Last evaluated 2024-08-07.

Conditions:
Hereditary breast ovarian cancer syndrome. Also called: Hereditary breast and ovarian cancer syndrome (HBOC); BRCA1- and BRCA2-Associated Hereditary Breast and Ovarian Cancer; Hereditary breast and/or ovarian cancer syndrome; Hereditary breast and ovarian cancer syndrome; Hereditary breast and ovarian cancer; Breast and ovarian cancer. Identifiers: Orphanet 145, MedGen C0677776, MeSH D061325, MONDO:0003582. Disease mechanism: loss of function.
Hereditary cancer-predisposing syndrome. Also called: Neoplastic Syndromes, Hereditary; Hereditary neoplastic syndrome; Tumor predisposition; Hereditary Cancer Syndrome. Identifiers: Orphanet 140162, MedGen C0027672, MeSH D009386, MONDO:0015356.
Breast-ovarian cancer, familial, susceptibility to, 1 (BROVCA1). Also called: BRCA1 Hereditary Breast and Ovarian Cancer; OVARIAN CANCER, SUSCEPTIBILITY TO. Identifiers: Orphanet 145, MedGen C2676676, MONDO:0011450, OMIM 604370. Disease mechanism: loss of function.

Submissions (3):

Labcorp Genetics (formerly Invitae), Labcorp
Classification: Uncertain significance for Hereditary breast ovarian cancer syndrome. Last evaluated: 2024-08-07. Review status: criteria provided, single submitter. Criteria: Invitae Variant Classification Sherloc (09022015). Collection method: clinical testing. Allele origin: germline.
Comment: This sequence change replaces serine, which is neutral and polar, with proline, which is neutral and non-polar, at codon 1595 of the BRCA1 protein (p.Ser1595Pro). This variant is not present in population databases (gnomAD no frequency). This variant has not been reported in the literature in individuals affected with BRCA1-related conditions. ClinVar contains an entry for this variant (Variation ID: 441500). Advanced modeling of protein sequence and biophysical properties (such as structural, functional, and spatial information, amino acid conservation, physicochemical variation, residue mobility, and thermodynamic stability) performed at Invitae indicates that this missense variant is not expected to disrupt BRCA1 protein function with a negative predictive value of 95%. In summary, the available evidence is currently insufficient to determine the role of this variant in disease. Therefore, it has been classified as a Variant of Uncertain Significance.

Ambry Genetics
Classification: Uncertain significance for Hereditary cancer-predisposing syndrome. Last evaluated: 2024-04-18. Review status: criteria provided, single submitter. Criteria: Ambry Variant Classification Scheme 2023. Collection method: clinical testing. Allele origin: germline.
Comment: The p.S1595P variant (also known as c.4783T>C), located in coding exon 14 of the BRCA1 gene, results from a T to C substitution at nucleotide position 4783. The serine at codon 1595 is replaced by proline, an amino acid with similar properties. This amino acid position is poorly conserved in available vertebrate species. In addition, the in silico prediction for this alteration is inconclusive. Since supporting evidence is limited at this time, the clinical significance of this alteration remains unclear.

All of Us Research Program, National Institutes of Health
Classification: Uncertain significance for Breast-ovarian cancer, familial, susceptibility to, 1. Last evaluated: 2023-12-13. Review status: criteria provided, single submitter. Criteria: ACMG Guidelines, 2015. Collection method: clinical testing. Allele origin: germline. Inheritance: Autosomal dominant inheritance. Observed: 1 variant allele, 1 heterozygote.
Comment: This missense variant replaces serine with proline at codon 1595 of the BRCA1 protein. Computational prediction is inconclusive regarding the impact of this variant on protein structure and function. To our knowledge, functional studies have not been reported for this variant. This variant has not been reported in individuals affected with BRCA1-related disorders in the literature. This variant has not been identified in the general population by the Genome Aggregation Database (gnomAD). The available evidence is insufficient to determine the role of this variant in disease conclusively. Therefore, this variant is classified as a Variant of Uncertain Significance.

This study involves interpretation of variants in research participants for the purpose of population health screening. Participant phenotype was not available at the time of variant classification. Additional details can be found in publication PMID: 35346344, PMCID: PMC8962531

NM_007294.4(BRCA1):c.4783T>C (p.Ser1595Pro)

Gene: BRCA1 (BRCA1 DNA repair associated; minus strand). Cytogenetic location: 17q21.31.
Variant type: single nucleotide variant.
Coding change: c.4783T>C on transcript NM_007294.4 (MANE Select); coding-DNA position 4783, T replaced by C.
Protein change: p.Ser1595Pro; replaces serine 1595 with proline.
Molecular consequence: missense variant. On other transcripts: non-coding transcript variant (1).
Genome position (GRCh38, 1-based): chr17:43,071,131, A>G on the plus strand (T>C on the coding strand, the complement: BRCA1 is on the minus strand). VCF-style: chr17-43071131-A-G. GRCh37 (hg19) VCF-style: chr17-41223148-A-G.
Other names: c.4570T>C, p.Ser1524Pro (NM_001407571.1, NM_001407894.1, NM_001407895.1 and 12 more transcripts); c.4849T>C, p.Ser1617Pro (NM_001407581.1, NM_001407582.1); c.4846T>C, p.Ser1616Pro (NM_001407583.1, NM_001407585.1, NM_001407587.1 and 1 more transcripts); c.4843T>C, p.Ser1615Pro (NM_001407590.1, NM_001407591.1); c.4783T>C, p.Ser1595Pro (NM_001407593.1, NM_001407594.1, NM_001407596.1 and 8 more transcripts); c.4780T>C, p.Ser1594Pro (NM_001407610.1, NM_001407621.1, NM_001407622.1 and 17 more transcripts); c.4777T>C, p.Ser1593Pro (NM_001407627.1, NM_001407628.1, NM_001407629.1 and 14 more transcripts); c.4774T>C, p.Ser1592Pro (NM_001407644.1, NM_001407645.1); and 70 more; short protein forms S1595P, S1548P, S1616P, S491P, S1441P, S1468P, S1482P, S1507P.
Identifiers: ClinVar variation 441500 (VCV000441500.16), dbSNP rs1325644035, ClinGen allele CA10591950.